The following is an entry in ClinVar:

NM_001127511.3(APC):c.165+28442T>C

Gene: APC (APC regulator of Wnt signaling pathway; plus strand). Cytogenetic location: 5q22.2.
Variant type: single nucleotide variant.
Coding change: c.165+28442T>C on transcript NM_001127511.3; 28442 bases into the intron after coding-DNA position 165, T replaced by C.
Molecular consequence: intron variant.
Genome position (GRCh38, 1-based): chr5:112,736,324, T>C. VCF-style: chr5-112736324-T-C. GRCh37 (hg19) VCF-style: chr5-112072021-T-C.
Other names: c.-1053-18549T>C (NM_001407470.1, NM_001407472.1); c.-18-18549T>C (NM_001407447.1, NM_001354895.2, NM_001407456.1 and 7 more transcripts); c.165+28442T>C (NM_001407446.1, NM_001354897.2, NM_001354902.2); c.-43+28675T>C (NM_001407453.1).
Identifiers: ClinVar variation 82727 (VCV000082727.4), dbSNP rs79316234, ClinGen allele CA023624.
Genomic context (GRCh38, chr5:112,736,324, plus strand): 5'-TGAAGGGAAATTGTTTCTAAATATATTTAAACTTTTAATAGAACAGTAGTATGCCATCAG[T>C]GTGGAAATAACTCACTTGTTAAATAAATATTTGGGGTGTATTTGCTGTATATCAGGCATT-3'

ClinVar aggregate classification (germline): other (0 of 4 stars; one submission).

Conditions:
Familial colorectal cancer. Identifiers: MedGen CN280943, MONDO:0023113. Disease mechanism: loss of function.

Submission:

Systems Biology Platform Zhejiang California International NanoSystems Institute
Classification: other for Familial colorectal cancer. Review status: no assertion criteria provided. Collection method: not provided. Allele origin: unknown.
ClinVar note: Converted during submission from cancer to other.